The following is an entry in ClinVar:

NM_014927.5(CNKSR2):c.525T>C (p.Cys175=)

Gene: CNKSR2 (connector enhancer of kinase suppressor of Ras 2; plus strand). Cytogenetic location: Xp22.12.
Variant type: single nucleotide variant.
Coding change: c.525T>C on transcript NM_014927.5 (MANE Select); coding-DNA position 525, T replaced by C.
Protein change: p.Cys175=; no amino-acid change (cysteine 175 retained).
Molecular consequence: synonymous variant.
Genome position (GRCh38, 1-based): chrX:21,470,771, T>C. VCF-style: chrX-21470771-T-C. GRCh37 (hg19) VCF-style: chrX-21488889-T-C.
Other names: c.525T>C, p.Cys175= (NM_001168647.3, NM_001168648.3, NM_001168649.3 and 4 more transcripts).
Identifiers: ClinVar variation 787155 (VCV000787155.7), dbSNP rs34161348, ClinGen allele CA10366464.

ClinVar aggregate classification (germline): Benign. Review status: criteria provided, multiple submitters, no conflicts (2 of 4 stars). 3 submissions from 3 submitters: Benign (2). 1 of the submissions does not count toward it. Last evaluated 2019-12-31.

Conditions:
CNKSR2-related disorder. Also called: CNKSR2-related condition.

Allele frequency attached by ClinVar (database versions not stated): gnomAD exomes 0.00290 and 0.00113; gnomAD 0.01010 and 0.00960; TOPMed 0.01161; 1000 Genomes Project 0.01192; ESP Exome Variant Server 0.01212; 1000 Genomes Project 30x 0.01249; ExAC 0.00383.
gnomAD v4.1: 2,129 of 1,005,210 alleles (0.21%); highest among the groups gnomAD compares: African/African-American, 3.2%; 27 homozygotes.

Submissions (3):

Labcorp Genetics (formerly Invitae), Labcorp
Classification: Benign. Last evaluated: 2019-12-31. Review status: criteria provided, single submitter. Criteria: Invitae Variant Classification Sherloc (09022015). Collection method: clinical testing. Allele origin: germline.

Breakthrough Genomics
Classification: Benign. Review status: criteria provided, single submitter. Criteria: ACMG Guidelines, 2015. Collection method: not provided. Allele origin: germline. Inheritance: X-linked inheritance. Affected: yes.

PreventionGenetics, part of Exact Sciences
Classification: Benign for CNKSR2-related condition. Last evaluated: 2019-06-11. Review status: no assertion criteria provided. Collection method: clinical testing. Allele origin: germline. Not counted in ClinVar's aggregate classification.
Comment: This variant is classified as benign based on ACMG/AMP sequence variant interpretation guidelines (Richards et al. 2015 PMID: 25741868, with internal and published modifications).